The following is an entry in ClinVar:

ClinVar aggregate classification (germline): Uncertain significance (1 of 4 stars; one submission).

Conditions:
Hereditary cancer-predisposing syndrome. Also called: Neoplastic Syndromes, Hereditary; Tumor predisposition; Hereditary Cancer Syndrome; Hereditary neoplastic syndrome. Identifiers: Orphanet 140162, MedGen C0027672, MeSH D009386, MONDO:0015356.

Submission:

Ambry Genetics
Classification: Uncertain significance for Hereditary cancer-predisposing syndrome. Last evaluated: 2022-05-17. Review status: criteria provided, single submitter. Criteria: Ambry Variant Classification Scheme 2023. Collection method: clinical testing. Allele origin: germline.
Comment: The p.N240D variant (also known as c.718A>G), located in coding exon 4 of the PDGFRA gene, results from an A to G substitution at nucleotide position 718. The asparagine at codon 240 is replaced by aspartic acid, an amino acid with highly similar properties. This amino acid position is conserved. In addition, this alteration is predicted to be tolerated by in silico analysis. Since supporting evidence is limited at this time, the clinical significance of this alteration remains unclear.

NM_006206.6(PDGFRA):c.718A>G (p.Asn240Asp)

Gene: PDGFRA (platelet derived growth factor receptor alpha; plus strand). Cytogenetic location: 4q12.
Variant type: single nucleotide variant.
Coding change: c.718A>G on transcript NM_006206.6 (MANE Select); coding-DNA position 718, A replaced by G.
Protein change: p.Asn240Asp; replaces asparagine 240 with aspartic acid.
Molecular consequence: missense variant.
Genome position (GRCh38, 1-based): chr4:54,265,008, A>G. VCF-style: chr4-54265008-A-G. GRCh37 (hg19) VCF-style: chr4-55131175-A-G.
Other names: c.718A>G, p.Asn240Asp (NM_001347827.2, NM_001347829.2); c.793A>G, p.Asn265Asp (NM_001347828.2); c.757A>G, p.Asn253Asp (NM_001347830.2); short protein forms N253D, N240D, N265D.
Identifiers: ClinVar variation 1757577 (VCV001757577.2), dbSNP rs1553902944, ClinGen allele CA356890943.